The following is an entry in ClinVar:

NM_152296.5(ATP1A3):c.1747G>A (p.Asp583Asn)

Gene: ATP1A3 (ATPase Na+/K+ transporting subunit alpha 3; minus strand). Cytogenetic location: 19q13.2.
Variant type: single nucleotide variant.
Coding change: c.1747G>A on transcript NM_152296.5 (MANE Select); coding-DNA position 1747, G replaced by A.
Protein change: p.Asp583Asn; replaces aspartic acid 583 with asparagine.
Molecular consequence: missense variant.
Genome position (GRCh38, 1-based): chr19:41,978,210, C>T on the plus strand (G>A on the coding strand, the complement: ATP1A3 is on the minus strand). VCF-style: chr19-41978210-C-T. GRCh37 (hg19) VCF-style: chr19-42482362-C-T.
Other names: c.1780G>A, p.Asp594Asn (NM_001256213.2); c.1786G>A, p.Asp596Asn (NM_001256214.2); short protein forms D583N, D594N, D596N.
Identifiers: ClinVar variation 1365899 (VCV001365899.8), dbSNP rs2145964907, ClinGen allele CA406045600.

ClinVar aggregate classification (germline): Uncertain significance (1 of 4 stars; one submission).

Conditions:
Dystonia 12 (DYT12). Also called: DYT-ATP1A3; Rapid-Onset Dystonia-Parkinsonism (RDP). Identifiers: Orphanet 71517, MedGen C1868681, MONDO:0007496, OMIM 128235.

Submission:

Labcorp Genetics (formerly Invitae), Labcorp
Classification: Uncertain significance for Dystonia 12. Last evaluated: 2023-08-10. Review status: criteria provided, single submitter. Criteria: Invitae Variant Classification Sherloc (09022015). Collection method: clinical testing. Allele origin: germline.
Comment: In summary, the available evidence is currently insufficient to determine the role of this variant in disease. Therefore, it has been classified as a Variant of Uncertain Significance. Advanced modeling of protein sequence and biophysical properties (such as structural, functional, and spatial information, amino acid conservation, physicochemical variation, residue mobility, and thermodynamic stability) performed at Invitae indicates that this missense variant is expected to disrupt ATP1A3 protein function. ClinVar contains an entry for this variant (Variation ID: 1365899). This variant has not been reported in the literature in individuals affected with ATP1A3-related conditions. This variant is not present in population databases (gnomAD no frequency). This sequence change replaces aspartic acid, which is acidic and polar, with asparagine, which is neutral and polar, at codon 583 of the ATP1A3 protein (p.Asp583Asn).